The following is an entry in ClinVar:

ClinVar aggregate classification (germline): Uncertain significance. Review status: criteria provided, multiple submitters, no conflicts (2 of 4 stars). 2 submissions from 2 submitters: Uncertain significance (2). Last evaluated 2022-12-03.

Conditions:
Ataxia-telangiectasia syndrome (AT). Also called: Ataxia-telangiectasia; LOUIS-BAR SYNDROME; Ataxia-telangiectasia, complementation group D; AT, COMPLEMENTATION GROUP C; ATAXIA-TELANGIECTASIA, COMPLEMENTATION GROUP A; ATAXIA-TELANGIECTASIA, FRESNO VARIANT. Identifiers: Orphanet 100, MedGen C0004135, MONDO:0008840, OMIM 208900.
Hereditary cancer-predisposing syndrome. Also called: Tumor predisposition; Neoplastic Syndromes, Hereditary; Hereditary Cancer Syndrome; Hereditary neoplastic syndrome. Identifiers: Orphanet 140162, MedGen C0027672, MeSH D009386, MONDO:0015356.

Submissions (2):

Labcorp Genetics (formerly Invitae), Labcorp
Classification: Uncertain significance for Ataxia-telangiectasia syndrome. Last evaluated: 2022-12-03. Review status: criteria provided, single submitter. Criteria: Invitae Variant Classification Sherloc (09022015). Collection method: clinical testing. Allele origin: germline.
Comment: This variant has not been reported in the literature in individuals affected with ATM-related conditions. This sequence change replaces isoleucine, which is neutral and non-polar, with threonine, which is neutral and polar, at codon 2876 of the ATM protein (p.Ile2876Thr). This variant is not present in population databases (gnomAD no frequency). ClinVar contains an entry for this variant (Variation ID: 1345353). Algorithms developed to predict the effect of missense changes on protein structure and function (SIFT, PolyPhen-2, Align-GVGD) all suggest that this variant is likely to be disruptive. In summary, the available evidence is currently insufficient to determine the role of this variant in disease. Therefore, it has been classified as a Variant of Uncertain Significance.

Ambry Genetics
Classification: Uncertain significance for Hereditary cancer-predisposing syndrome. Last evaluated: 2022-02-08. Review status: criteria provided, single submitter. Criteria: Ambry Variant Classification Scheme 2023. Collection method: clinical testing. Allele origin: germline.
Comment: The p.I2876T variant (also known as c.8627T>C), located in coding exon 58 of the ATM gene, results from a T to C substitution at nucleotide position 8627. The isoleucine at codon 2876 is replaced by threonine, an amino acid with similar properties. This amino acid position is conserved. In addition, this alteration is predicted to be deleterious by in silico analysis. Since supporting evidence is limited at this time, the clinical significance of this alteration remains unclear.

NM_000051.4(ATM):c.8627T>C (p.Ile2876Thr)

Genes: ATM (ATM serine/threonine kinase; plus strand), C11orf65 (chromosome 11 open reading frame 65; minus strand). Cytogenetic location: 11q22.3.
Variant type: single nucleotide variant.
Coding change: c.8627T>C on transcript NM_000051.4 (MANE Select); coding-DNA position 8627, T replaced by C.
Protein change: p.Ile2876Thr; replaces isoleucine 2876 with threonine.
Molecular consequence: missense variant. On other transcripts: intron variant (2).
Genome position (GRCh38, 1-based): chr11:108,347,321, T>C. VCF-style: chr11-108347321-T-C. GRCh37 (hg19) VCF-style: chr11-108218048-T-C.
Other names: c.8627T>C, p.Ile2876Thr (NM_001351834.2); c.641-38250A>G (NM_001330368.2); c.695-12029A>G (NM_001351110.2); short protein forms I2876T.
Identifiers: ClinVar variation 1345353 (VCV001345353.10), dbSNP rs2137081967, ClinGen allele CA382520792.
Genomic context (GRCh38, chr11:108,347,321, plus strand): 5'-TGTTTCTTTTTTCTCCAGTTGGTTACATACTTGGACTTGGTGATAGACATGTACAGAATA[T>C]CTTGATAAATGAGCAGTCAGCAGAACTTGTACATATAGATCTAGGTAAGTAATAAAATCT-3'
Protein context (NP_000042.3, residues 2866-2886): LGLGDRHVQN[Ile2876Thr]LINEQSAELV